The following is an entry in ClinVar:

ClinVar aggregate classification (germline): Benign/Likely benign. Review status: criteria provided, multiple submitters, no conflicts (2 of 4 stars). 5 submissions from 5 submitters: Benign (3); Likely benign (2). Last evaluated 2026-02-02.

Conditions:
Purine-nucleoside phosphorylase deficiency. Also called: Immunodeficiency due to purine nucleoside phosphorylase deficiency; NUCLEOSIDE PHOSPHORYLASE DEFICIENCY. Identifiers: Orphanet 760, MedGen C0268125, MONDO:0013171, OMIM 613179.

Allele frequency attached by ClinVar (database versions not stated): gnomAD exomes 0.00062 and 0.00145; ExAC 0.00175; 1000 Genomes Project 0.00499; 1000 Genomes Project 30x 0.00547; gnomAD 0.00616 and 0.00663; ESP Exome Variant Server 0.00715; TOPMed 0.00732.

Submissions (5):

Labcorp Genetics (formerly Invitae), Labcorp
Classification: Benign for Purine-nucleoside phosphorylase deficiency. Last evaluated: 2026-02-02. Review status: criteria provided, single submitter. Criteria: Invitae Variant Classification Sherloc (09022015). Collection method: clinical testing. Allele origin: germline.

Mayo Clinic Laboratories, Mayo Clinic
Classification: Benign. Last evaluated: 2024-11-25. Review status: criteria provided, single submitter. Criteria: ACMG Guidelines, 2015. Collection method: clinical testing. Allele origin: germline. Observed: 1 variant allele.
Comment: BS1, BS2

GeneDx
Classification: Likely benign. Last evaluated: 2019-10-13. Review status: criteria provided, single submitter. Criteria: GeneDx Variant Classification Process June 2021. Collection method: clinical testing. Allele origin: germline. Affected: yes.

Illumina Laboratory Services, Illumina
Classification: Benign for Purine-nucleoside phosphorylase deficiency. Last evaluated: 2018-01-12. Review status: criteria provided, single submitter. Criteria: ICSL Variant Classification Criteria 13 December 2019. Collection method: clinical testing. Allele origin: germline.
Comment: This variant was observed in the ICSL laboratory as part of a predisposition screen in an ostensibly healthy population. It had not been previously curated by ICSL or reported in the Human Gene Mutation Database (HGMD: prior to June 1st, 2018), and was therefore a candidate for classification through an automated scoring system. Utilizing variant allele frequency, disease prevalence and penetrance estimates, and inheritance mode, an automated score was calculated to assess if this variant is too frequent to cause the disease. Based on the score and internal cut-off values, a variant classified as benign is not then subjected to further curation. The score for this variant resulted in a classification of benign for this disease.

Breakthrough Genomics
Classification: Likely benign. Review status: criteria provided, single submitter. Criteria: ACMG Guidelines, 2015. Collection method: not provided. Allele origin: germline. Inheritance: Autosomal recessive inheritance. Affected: yes.

NM_000270.4(PNP):c.679G>A (p.Val227Ile)

Gene: PNP (purine nucleoside phosphorylase; plus strand). Cytogenetic location: 14q11.2.
Variant type: single nucleotide variant.
Coding change: c.679G>A on transcript NM_000270.4 (MANE Select); coding-DNA position 679, G replaced by A.
Protein change: p.Val227Ile; replaces valine 227 with isoleucine.
Molecular consequence: missense variant.
Genome position (GRCh38, 1-based): chr14:20,476,410, G>A. VCF-style: chr14-20476410-G-A. GRCh37 (hg19) VCF-style: chr14-20944569-G-A.
Other names: p.Val227Ile; short protein forms V227I.
Identifiers: ClinVar variation 390920 (VCV000390920.20), dbSNP rs61755047, ClinGen allele CA7082208.